The following is an entry in ClinVar:

ClinVar aggregate classification (germline): Uncertain significance (1 of 4 stars; one submission).

Submission:

GeneDx
Classification: Uncertain significance. Last evaluated: 2019-02-19. Review status: criteria provided, single submitter. Criteria: GeneDx Variant Classification Process June 2021. Collection method: clinical testing. Allele origin: germline. Affected: yes.
Comment: Has not been previously published as pathogenic or benign to our knowledge; Not observed in large population cohorts (Lek et al., 2016); In silico analysis, which includes protein predictors and evolutionary conservation, supports that this variant does not alter protein structure/function

NM_032578.4(MYPN):c.1337C>T (p.Ala446Val)

Gene: MYPN (myopalladin; plus strand). Cytogenetic location: 10q21.3.
Variant type: single nucleotide variant.
Coding change: c.1337C>T on transcript NM_032578.4 (MANE Select); coding-DNA position 1337, C replaced by T.
Protein change: p.Ala446Val; replaces alanine 446 with valine.
Molecular consequence: missense variant. On other transcripts: non-coding transcript variant (2).
Genome position (GRCh38, 1-based): chr10:68,158,505, C>T. VCF-style: chr10-68158505-C-T. GRCh37 (hg19) VCF-style: chr10-69918262-C-T.
Other names: c.1337C>T, p.Ala446Val (NM_001256267.2); c.455C>T, p.Ala152Val (NM_001256268.2); short protein forms A152V, A446V.
Identifiers: ClinVar variation 1306309 (VCV001306309.2), dbSNP rs2134136815, ClinGen allele CA376834441.
Genomic context (GRCh38, chr10:68,158,505, plus strand): 5'-TGTACTTTTTTGTTCTAACTACATTCTTCTTATCATTATAGATGCTACAAAATTTGTCAG[C>T]TTCTGAGGGTCAGCTGGTTGTCTTTGAATGCAGAGTAAAAGGAGCTCCATCTCCTAAGGT-3'
Protein context (NP_115967.2, residues 436-456): VFTKMLQNLS[Ala446Val]SEGQLVVFEC